The following is an entry in ClinVar:

ClinVar aggregate classification (germline): Likely pathogenic (1 of 4 stars; one submission).

Conditions:
Hereditary spastic paraplegia 4. Also called: Spastic Paraplegia 4; Spastic paraplegia 4, autosomal dominant; Familial spastic paraplegia autosomal dominant 2. Identifiers: Orphanet 100985, MedGen C1866855, MONDO:0008438, OMIM 182601.

Submission:

Dubai Health Genomic Medicine Center, Dubai Health
Classification: Likely pathogenic for Spastic paraplegia 4. Last evaluated: 2024-10-04. Review status: criteria provided, single submitter. Criteria: ACMG Guidelines, 2015. Collection method: research. Allele origin: germline. Affected: yes.
Comment: PS2, PM2

NM_014946.4(SPAST):c.55C>G (p.Pro19Ala)

Gene: SPAST (spastin; plus strand). Cytogenetic location: 2p22.3.
Variant type: single nucleotide variant.
Coding change: c.55C>G on transcript NM_014946.4 (MANE Select); coding-DNA position 55, C replaced by G.
Protein change: p.Pro19Ala; replaces proline 19 with alanine.
Molecular consequence: missense variant.
Genome position (GRCh38, 1-based): chr2:32,063,886, C>G. VCF-style: chr2-32063886-C-G. GRCh37 (hg19) VCF-style: chr2-32288955-C-G.
Other names: c.55C>G, p.Pro19Ala (NM_001363823.2, NM_001363875.2, NM_001377959.1 and 1 more transcripts); short protein forms P19A.
Identifiers: ClinVar variation 1810212 (VCV001810212.2), dbSNP rs372349942, ClinGen allele CA346601276.